The following is an entry in ClinVar:

ClinVar aggregate classification (germline): Uncertain significance (1 of 4 stars; one submission).

Conditions:
Seizures, benign familial neonatal, 2. Also called: Benign Neonatal Epilepsy 2; CONVULSIONS, BENIGN FAMILIAL NEONATAL, 2; KCNQ3-Related Benign Familial Neonatal Epilepsy; KCNQ3-Related Self-Limited Familial Neonatal Epilepsy (SLFNE); Seizures, benign neonatal, 2. Identifiers: Orphanet 1949, MedGen C1852581, MONDO:0007366, OMIM 121201.

Submission:

Centre for Mendelian Genomics, University Medical Centre Ljubljana
Classification: Uncertain significance for Seizures, benign familial neonatal, 2. Last evaluated: 2019-03-05. Review status: criteria provided, single submitter. Criteria: ACMG Guidelines, 2015. Collection method: clinical testing. Allele origin: unknown. Affected: yes.
Comment: This variant was classified as: Uncertain significance. The available evidence on this variant's pathogenicity is insufficient or conflicting. The following ACMG criteria were applied in classifying this variant: PM2,PP3.

NM_004519.4(KCNQ3):c.403G>C (p.Gly135Arg)

Gene: KCNQ3 (potassium voltage-gated channel subfamily Q member 3; minus strand). Cytogenetic location: 8q24.22.
Variant type: single nucleotide variant.
Coding change: c.403G>C on transcript NM_004519.4 (MANE Select); coding-DNA position 403, G replaced by C.
Protein change: p.Gly135Arg; replaces glycine 135 with arginine.
Molecular consequence: missense variant.
Genome position (GRCh38, 1-based): chr8:132,186,165, C>G on the plus strand (G>C on the coding strand, the complement: KCNQ3 is on the minus strand). VCF-style: chr8-132186165-C-G. GRCh37 (hg19) VCF-style: chr8-133198412-C-G.
Other names: c.43G>C, p.Gly15Arg (NM_001204824.2); short protein forms G15R, G135R.
Identifiers: ClinVar variation 931102 (VCV000931102.3), dbSNP rs1826949712, ClinGen allele CA372291478.